The following is an entry in ClinVar:

ClinVar aggregate classification (germline): Conflicting classifications of pathogenicity. Review status: criteria provided, conflicting classifications (1 of 4 stars). 11 submissions from 10 submitters: Uncertain significance (8); Likely benign (1). 2 of the submissions do not count toward it. Last evaluated 2025-11-18.

Conditions:
Breast-ovarian cancer, familial, susceptibility to, 3. Also called: RAD51C-Related Breast/Ovarian Cancer. Identifiers: Orphanet 145, MedGen C3150659, MONDO:0013253, OMIM 613399.
Hereditary cancer-predisposing syndrome. Also called: Neoplastic Syndromes, Hereditary; Tumor predisposition; Hereditary neoplastic syndrome; Hereditary Cancer Syndrome. Identifiers: Orphanet 140162, MedGen C0027672, MeSH D009386, MONDO:0015356.
Hereditary breast ovarian cancer syndrome. Also called: Hereditary breast and ovarian cancer; Hereditary breast and ovarian cancer syndrome (HBOC); BRCA1- and BRCA2-Associated Hereditary Breast and Ovarian Cancer; Hereditary breast and/or ovarian cancer syndrome; Breast and ovarian cancer; Hereditary breast and ovarian cancer syndrome. Identifiers: Orphanet 145, MedGen C0677776, MeSH D061325, MONDO:0003582. Disease mechanism: loss of function.
Fanconi anemia complementation group O. Also called: RAD51C-Related Fanconi Anemia. Identifiers: Orphanet 84, MedGen C3150653, MONDO:0013248, OMIM 613390.

Allele frequency attached by ClinVar (database versions not stated): gnomAD exomes 0.00001 and 0.00002; ExAC 0.00002; gnomAD 0.00002 and 0.00003; TOPMed 0.00004; 1000 Genomes Project 30x 0.00016; 1000 Genomes Project 0.00020.
gnomAD v4.1: 15 of 1,607,720 alleles (0.00093%); highest among the groups gnomAD compares: Admixed American, 0.01%; no homozygotes.

Submissions (11):

Labcorp Genetics (formerly Invitae), Labcorp
Classification: Uncertain significance for Fanconi anemia complementation group O. Last evaluated: 2025-11-18. Review status: criteria provided, single submitter. Criteria: Invitae Variant Classification Sherloc (09022015). Collection method: clinical testing. Allele origin: germline.
Comment: This sequence change replaces isoleucine, which is neutral and non-polar, with threonine, which is neutral and polar, at codon 240 of the RAD51C protein (p.Ile240Thr). This variant is present in population databases (rs539341386, gnomAD 0.009%). This missense change has been observed in individual(s) with breast cancer (PMID: 35264596, 35534704). ClinVar contains an entry for this variant (Variation ID: 241777). Invitae Evidence Modeling of protein sequence and biophysical properties (such as structural, functional, and spatial information, amino acid conservation, physicochemical variation, residue mobility, and thermodynamic stability) indicates that this missense variant is not expected to disrupt RAD51C protein function with a negative predictive value of 80%. Experimental studies have shown that this missense change does not substantially affect RAD51C function (PMID: 37253112). In summary, the available evidence is currently insufficient to determine the role of this variant in disease. Therefore, it has been classified as a Variant of Uncertain Significance.

Ambry Genetics
Classification: Likely benign for Hereditary cancer-predisposing syndrome. Last evaluated: 2025-10-24. Review status: criteria provided, single submitter. Criteria: Ambry Variant Classification Scheme 2023. Collection method: clinical testing. Allele origin: germline.

Quest Diagnostics Nichols Institute San Juan Capistrano
Classification: Uncertain significance. Last evaluated: 2024-08-14. Review status: criteria provided, single submitter. Criteria: Quest Diagnostics criteria. Collection method: clinical testing. Allele origin: unknown.
Comment: The RAD51C c.719T>C (p.Ile240Thr) variant has been reported in the published literature in individuals affected with breast cancer (PMIDs: 35264596 (2022), 35534704 (2022)). One functional study described the variant as neutral after demonstrating sufficient DNA repair (PMID: 37253112 (2023)). The frequency of this variant in the general population, 0.000087 (3/34592 chromosomes (Genome Aggregation Database)), is uninformative in the assessment of its pathogenicity. Analysis of this variant using bioinformatics tools for the prediction of the effect of amino acid changes on protein structure and function yielded conflicting predictions that this variant is benign or damaging. Based on the available information, we are unable to determine the clinical significance of this variant.

Baylor Genetics
Classification: Uncertain significance for Breast-ovarian cancer, familial, susceptibility to, 3. Last evaluated: 2024-02-17. Review status: criteria provided, single submitter. Criteria: ACMG Guidelines, 2015. Collection method: clinical testing. Allele origin: unknown.

GeneDx
Classification: Uncertain significance. Last evaluated: 2023-08-08. Review status: criteria provided, single submitter. Criteria: GeneDx Variant Classification Process June 2021. Collection method: clinical testing. Allele origin: germline. Affected: yes.
Comment: Not observed at significant frequency in large population cohorts (gnomAD); In silico analysis supports that this missense variant has a deleterious effect on protein structure/function; Identified in individual(s) with breast cancer (Guindalini et al., 2022); This variant is associated with the following publications: (PMID: 14704354, 35264596)

Myriad Genetics, Inc.
Classification: Uncertain significance for Breast-ovarian cancer, familial, susceptibility to, 3. Last evaluated: 2023-04-05. Review status: criteria provided, single submitter. Criteria: Myriad Autosomal Dominant, Autosomal Recessive and X-Linked Classification Criteria (2023). Collection method: clinical testing. Allele origin: unknown.
Comment: This variant is classified as a variant of uncertain significance as there is insufficient evidence to determine its impact on protein function and/or cancer risk.

Fulgent Genetics
Classification: Uncertain significance for Fanconi anemia complementation group O; Breast-ovarian cancer, familial, susceptibility to, 3. Last evaluated: 2022-01-18. Review status: criteria provided, single submitter. Criteria: ACMG Guidelines, 2015. Collection method: clinical testing. Allele origin: unknown.

Color Diagnostics, LLC DBA Color Health
Classification: Uncertain significance for Hereditary cancer-predisposing syndrome. Last evaluated: 2021-01-25. Review status: criteria provided, single submitter. Criteria: ACMG Guidelines, 2015. Collection method: clinical testing. Allele origin: germline.
Comment: This missense variant replaces isoleucine with threonine at codon 240 of the RAD51C protein. Computational prediction suggests that this variant may not impact protein structure and function (internally defined REVEL score threshold <= 0.5, PMID: 27666373). To our knowledge, functional studies have not been reported for this variant. This variant has not been reported in individuals affected with hereditary cancer in the literature. This variant has been identified in 5/251408 chromosomes in the general population by the Genome Aggregation Database (gnomAD). The available evidence is insufficient to determine the role of this variant in disease conclusively. Therefore, this variant is classified as a Variant of Uncertain Significance.

Mendelics
Classification: Uncertain significance for Hereditary breast and ovarian cancer syndrome. Last evaluated: 2018-07-02. Review status: criteria provided, single submitter. Criteria: Mendelics Assertion Criteria 2017. Collection method: clinical testing. Allele origin: unknown.

Counsyl
Classification: Uncertain significance for Fanconi anemia complementation group O. Last evaluated: 2016-07-25. Review status: no assertion criteria provided. Collection method: clinical testing. Allele origin: unknown. Not counted in ClinVar's aggregate classification.

Counsyl
Classification: Uncertain significance for Breast-ovarian cancer, familial, susceptibility to, 3. Last evaluated: 2016-07-25. Review status: no assertion criteria provided. Collection method: clinical testing. Allele origin: unknown. Not counted in ClinVar's aggregate classification.

Literature cited by the submitters: PubMed 35264596 (cited by 3 submitters); PubMed 35534704 (cited by Labcorp Genetics (formerly Invitae), Labcorp and Quest Diagnostics Nichols Institute San Juan Capistrano); PubMed 37253112 (cited by 3 submitters).

NM_058216.3(RAD51C):c.719T>C (p.Ile240Thr)

Gene: RAD51C (RAD51 paralog C; plus strand). Cytogenetic location: 17q22.
Variant type: single nucleotide variant.
Coding change: c.719T>C on transcript NM_058216.3 (MANE Select); coding-DNA position 719, T replaced by C.
Protein change: p.Ile240Thr; replaces isoleucine 240 with threonine.
Molecular consequence: missense variant. On other transcripts: non-coding transcript variant (1).
Genome position (GRCh38, 1-based): chr17:58,709,872, T>C. VCF-style: chr17-58709872-T-C. GRCh37 (hg19) VCF-style: chr17-56787233-T-C.
Other names: short protein forms I240T.
Identifiers: ClinVar variation 241777 (VCV000241777.32), dbSNP rs539341386, ClinGen allele CA8677324.